The following is an entry in ClinVar:

ClinVar aggregate classification (germline): Pathogenic/Likely pathogenic. Review status: criteria provided, multiple submitters, no conflicts (2 of 4 stars). 4 submissions from 4 submitters: Pathogenic (3); Likely pathogenic (1). Last evaluated 2025-07-18.

Conditions:
Glomuvenous malformation. Also called: GLOMANGIOMAS, MULTIPLE; GLOMUS TUMORS, MULTIPLE; Familial glomangioma; VENOUS MALFORMATIONS WITH GLOMUS CELLS. Identifiers: Orphanet 83454, MedGen C1841984, MONDO:0007672, OMIM 138000.
GLMN-related disorder. Also called: GLMN-related condition.
GLMN-related disorders.

Submissions (4):

PreventionGenetics, part of Exact Sciences
Classification: Pathogenic for GLMN-related condition. Last evaluated: 2025-07-18. Review status: criteria provided, single submitter. Criteria: ACMG Guidelines, 2015. Collection method: clinical testing. Allele origin: germline.
Comment: The GLMN c.1355delT variant is predicted to result in a frameshift and premature protein termination (p.Leu452Trpfs*24). This variant has been reported in one family with 6 affected individuals with glomuvenous malformations (Family Wi in Brouillard et al 2002. PubMed ID: 11845407). This variant is reported in 0.0035% of alleles in individuals of European (Non-Finnish) descent in gnomAD. Frameshift variants in GLMN are expected to be pathogenic. This variant is interpreted as pathogenic.

Blueprint Genetics
Classification: Pathogenic for GLMN-related disorders. Last evaluated: 2024-11-05. Review status: criteria provided, single submitter. Criteria: ACMG Guidelines, 2015. Collection method: clinical testing. Allele origin: germline. Affected: yes. Observed: 3 variant alleles.

Fulgent Genetics
Classification: Pathogenic for Glomuvenous malformation. Last evaluated: 2024-03-25. Review status: criteria provided, single submitter. Criteria: ACMG Guidelines, 2015. Collection method: clinical testing. Allele origin: germline.

Laboratory for Molecular Medicine, Mass General Brigham Personalized Medicine
Classification: Likely pathogenic for Glomuvenous malformations. Last evaluated: 2018-10-22. Review status: criteria provided, single submitter. Criteria: LMM Criteria. Collection method: clinical testing. Allele origin: germline. Inheritance: Autosomal dominant inheritance. Observed: 1 variant allele.
Comment: The p.Leu425TrpfsX24 variant in GLMN has been reported in one individual with gl omuvenous malformations and segregated with disease in at least 5 affected famil y members (Brouillard 2002). It has also been identified in 0.004% (4/111662) of European chromosomes by the Genome Aggregation Database (gnomAD.). This variant is predicted to cause a frameshift, which alte rs the protein?s amino acid sequence beginning at position 452 and leads to a pr emature termination codon 24 amino acids downstream. This alteration is then pre dicted to lead to a truncated or absent protein. Loss of function of the GLMN ge ne is an established disease mechanism in autosomal dominant glomuvenous malform ation. In summary, although additional studies are required to fully establish i ts clinical significance, the p.Leu425TrpfsX24 variant is likely pathogenic. ACM G/AMP Criteria applied: PVS1, PP1_Moderate.

Literature cited by the submitters: PubMed 15689436 (cited by Laboratory for Molecular Medicine, Mass General Brigham Personalized Medicine); PubMed 11845407 (cited by Laboratory for Molecular Medicine, Mass General Brigham Personalized Medicine); PubMed 23801931 (cited by Laboratory for Molecular Medicine, Mass General Brigham Personalized Medicine).

NM_053274.3(GLMN):c.1355del (p.Leu452fs)

Gene: GLMN (glomulin, FKBP associated protein; minus strand). Cytogenetic location: 1p22.1.
Variant type: Deletion.
Coding change: c.1355del on transcript NM_053274.3 (MANE Select); coding-DNA position 1355, one base deleted (T; older notation c.1355delT).
Protein change: p.Leu452fs; shifts the reading frame from leucine 452.
Molecular consequence: frameshift variant. On other transcripts: non-coding transcript variant (1).
Genome position (GRCh38, 1-based): chr1:92,263,677, A deleted on the plus strand (T on the coding strand, the reverse complement: GLMN is on the minus strand); the first of 3 consecutive A bases (chr1:92,263,677-92,263,679); deleting any one gives the same sequence. VCF-style (leftmost placement, unchanged base first): chr1-92263676-CA-C. GRCh37 (hg19) VCF-style: chr1-92729233-CA-C.
Other names: c.1313del, p.Leu438fs (NM_001319683.2); short protein forms L452fs, L438fs.
Identifiers: ClinVar variation 667407 (VCV000667407.9), dbSNP rs773435694, ClinGen allele CA950270.